The following is an entry in ClinVar:

ClinVar aggregate classification (germline): Uncertain significance (1 of 4 stars; one submission).

Submission:

GeneDx
Classification: Uncertain significance. Last evaluated: 2022-07-26. Review status: criteria provided, single submitter. Criteria: GeneDx Variant Classification Process June 2021. Collection method: clinical testing. Allele origin: germline. Affected: yes.
Comment: Not observed at significant frequency in large population cohorts (gnomAD); Missense variants in this gene are often considered pathogenic (HGMD); In silico analysis supports that this missense variant does not alter protein structure/function; In silico analysis suggests this variant may impact gene splicing. In the absence of RNA/functional studies, the actual effect of this sequence change is unknown.; Has not been previously published as pathogenic or benign to our knowledge

NM_003334.4(UBA1):c.116A>T (p.Asn39Ile)

Genes: UBA1 (ubiquitin like modifier activating enzyme 1; plus strand), LOC126863253 (CDK7 strongly-dependent group 2 enhancer GRCh37_chrX:47057593-47058792; plus strand). Cytogenetic location: Xp11.3.
Variant type: single nucleotide variant.
Coding change: c.116A>T on transcript NM_003334.4 (MANE Select); coding-DNA position 116, A replaced by T.
Protein change: p.Asn39Ile; replaces asparagine 39 with isoleucine.
Molecular consequence: missense variant.
Genome position (GRCh38, 1-based): chrX:47,198,918, A>T. VCF-style: chrX-47198918-A-T. GRCh37 (hg19) VCF-style: chrX-47058317-A-T.
Other names: c.116A>T, p.Asn39Ile (NM_153280.3); short protein forms N39I.
Identifiers: ClinVar variation 2413032 (VCV002413032.4), dbSNP rs2521385568, ClinGen allele CA412786571.